The following is an entry in ClinVar:

ClinVar aggregate classification (germline): Uncertain significance (1 of 4 stars; one submission).

Conditions:
Cardiovascular phenotype. Identifiers: MedGen CN230736.

Submission:

Ambry Genetics
Classification: Uncertain significance for Cardiovascular phenotype. Last evaluated: 2026-06-26. Review status: criteria provided, single submitter. Criteria: Ambry Variant Classification Scheme 2023. Collection method: clinical testing. Allele origin: germline.
Comment: The p.S548G variant (also known as c.1642A>G), located in coding exon 12 of the ENG gene, results from an A to G substitution at nucleotide position 1642. The serine at codon 548 is replaced by glycine, an amino acid with similar properties. This amino acid position is conserved. In addition, this alteration is predicted to be tolerated by in silico analysis. Based on the available evidence, the clinical significance of this variant remains unclear.

NM_001114753.3(ENG):c.1642A>G (p.Ser548Gly)

Genes: ENG (endoglin; minus strand), LOC102723566 (uncharacterized LOC102723566; plus strand). Cytogenetic location: 9q34.11.
Variant type: single nucleotide variant.
Coding change: c.1642A>G on transcript NM_001114753.3 (MANE Select); coding-DNA position 1642, A replaced by G.
Protein change: p.Ser548Gly; replaces serine 548 with glycine.
Molecular consequence: missense variant.
Genome position (GRCh38, 1-based): chr9:127,818,164, T>C on the plus strand (A>G on the coding strand, the complement: ENG is on the minus strand). VCF-style: chr9-127818164-T-C. GRCh37 (hg19) VCF-style: chr9-130580443-T-C.
Other names: c.1642A>G, p.Ser548Gly (NM_000118.4); c.1096A>G, p.Ser366Gly (NM_001278138.2); short protein forms S366G, S548G.
Identifiers: ClinVar variation 5035952 (VCV005035952.1).